The following is an entry in ClinVar:

NM_000466.3(PEX1):c.2614C>T (p.Arg872Ter)

Gene: PEX1 (peroxisomal biogenesis factor 1; minus strand). Cytogenetic location: 7q21.2.
Variant type: single nucleotide variant.
Coding change: c.2614C>T on transcript NM_000466.3 (MANE Select); coding-DNA position 2614, C replaced by T.
Protein change: p.Arg872Ter; replaces arginine 872 with a stop codon.
Molecular consequence: nonsense.
Genome position (GRCh38, 1-based): chr7:92,499,808, G>A on the plus strand (C>T on the coding strand, the complement: PEX1 is on the minus strand). VCF-style: chr7-92499808-G-A. GRCh37 (hg19) VCF-style: chr7-92129122-G-A.
Other names: c.2443C>T, p.Arg815Ter (NM_001282677.2); c.1990C>T, p.Arg664Ter (NM_001282678.2); short protein forms R872*, R815*, R664*.
Identifiers: ClinVar variation 265395 (VCV000265395.55), dbSNP rs61750422, ClinGen allele CA4341072.

ClinVar aggregate classification (germline): Pathogenic. Review status: criteria provided, multiple submitters, no conflicts (2 of 4 stars). 16 submissions from 15 submitters: Pathogenic (16). Last evaluated 2026-08-03.

Conditions:
Heimler syndrome 1 (HMLR1). Also called: PEROXISOME BIOGENESIS DISORDER 1C. Identifiers: Orphanet 3220, MedGen C4551980, OMIM 234580, MONDO:0024544.
Peroxisome biogenesis disorder 1A (Zellweger) (PBD1A). Also called: Zellweger leukodystrophy; Peroxisome biogenesis disorder 1a. Identifiers: MedGen C4721541, MONDO:0008953, OMIM 214100.
Peroxisome biogenesis disorder 1B (PBD1B). Also called: Refsum disease, infantile form; PEROXISOME BIOGENESIS DISORDER (NEONATAL ADRENOLEUKODYSTROPHY/INFANTILE REFSUM DISEASE); INFANTILE PHYTANIC ACID STORAGE DISEASE; PEROXISOME BIOGENESIS DISORDER (NALD/IRD); ADRENOLEUKODYSTROPHY, AUTOSOMAL NEONATAL; Infantile Refsum disease. Identifiers: Orphanet 44, MedGen C0282527, MONDO:0011101, OMIM 601539.
Peroxisome biogenesis disorder. Identifiers: Orphanet 79189, MedGen C1832200, MONDO:0019234. Disease mechanism: loss of function.
Abnormality of metabolism/homeostasis. Identifiers: MedGen C4021768, HP:0001939.
Zellweger spectrum disorders (ZS). Also called: Zellweger Spectrum Disorder (ZSD); Zellweger Spectrum Disorder; Zellweger syndrome; Zellweger Spectrum. Identifiers: Orphanet 912, MedGen C0043459, MONDO:0019609.
Inborn genetic diseases. Identifiers: MedGen C0950123, MeSH D030342.
PEX1-related disorder. Also called: PEX1-related condition.

Allele frequency attached by ClinVar (database versions not stated): gnomAD 0.00001; TOPMed 0.00001.
gnomAD v4.1: 18 of 1,609,740 alleles (0.0011%); highest among the groups gnomAD compares: Admixed American, 0.005%; no homozygotes.

Submissions (16):

Ambry Genetics
Classification: Pathogenic for Inborn genetic diseases. Last evaluated: 2026-08-03. Review status: criteria provided, single submitter. Criteria: Ambry Variant Classification Scheme 2023. Collection method: clinical testing. Allele origin: germline.
Comment: The c.2614C>T (p.R872*) alteration, located in exon 16 (coding exon 16) of the PEX1 gene, consists of a C to T substitution at nucleotide position 2614. This changes the amino acid from a arginine (R) to a stop codon at amino acid position 872. This variant is expected to result in loss of function by premature protein truncation or nonsense-mediated mRNA decay. Based on data from gnomAD, the T allele has an overall frequency of 0.001% (3/251050) total alleles studied. The highest observed frequency was 0.003% (1/30500) of South Asian alleles. This variant has been identified in the homozygous state and/or in conjunction with other PEX1 variant(s) in individual(s) with features consistent with PEX1-related peroxisome biogenesis spectrum disorder (Preuss, 2002; Yik, 2009). Based on the available evidence, this alteration is classified as pathogenic.

PreventionGenetics, part of Exact Sciences
Classification: Pathogenic for PEX1-related condition. Last evaluated: 2026-02-26. Review status: criteria provided, single submitter. Criteria: ACMG Guidelines, 2015. Collection method: clinical testing. Allele origin: germline.
Comment: The PEX1 c.2614C>T variant is predicted to result in premature protein termination (p.Arg872*). This variant has been reported in the compound heterozygous state in multiple patients with peroxisome biogenesis disorder (Preuss et al. 2002. PubMed ID: 12032265; Yik et al. 2009. PubMed ID: 19105186; Table S1, Alshenaifi et al. 2018. PubMed ID: 30561787). This variant is reported in 0.0033% of alleles in individuals of South Asian descent in gnomAD. Nonsense variants in PEX1 are expected to be pathogenic. This variant is interpreted as pathogenic.

Labcorp Genetics (formerly Invitae), Labcorp
Classification: Pathogenic for Zellweger spectrum disorders. Last evaluated: 2025-12-03. Review status: criteria provided, single submitter. Criteria: Invitae Variant Classification Sherloc (09022015). Collection method: clinical testing. Allele origin: germline.
Comment: This sequence change creates a premature translational stop signal (p.Arg872*) in the PEX1 gene. It is expected to result in an absent or disrupted protein product. Loss-of-function variants in PEX1 are known to be pathogenic (PMID: 21031596, 26387595, 31831025). This variant is present in population databases (rs61750422, gnomAD 0.003%). This premature translational stop signal has been observed in individuals with PEX1-related conditions (PMID: 12032265, 19105186, 21846392). ClinVar contains an entry for this variant (Variation ID: 265395). For these reasons, this variant has been classified as Pathogenic.

Natera, Inc.
Classification: Pathogenic for Zellweger syndrome. Last evaluated: 2025-11-03. Review status: criteria provided, single submitter. Criteria: Natera Variant Classification Schema (03/2026). Collection method: clinical testing. Allele origin: germline.
Comment: The c.2614C>T variant in PEX1 is a nonsense variant predicted to introduce a stop codon at amino acid 872. This variant is expected to result in nonsense mediated decay, truncation, or a dysfunctional protein product. This variant is rare in the general population with a frequency below the threshold expected for the associated phenotype(s). This variant has been observed in one or more individuals affected with the associated recessive disease, as either homozygous or compound heterozygous with a second variant (PMID: 30561787). Given the available evidence, this variant is classified as Pathogenic.

Dasa
Classification: Pathogenic. Last evaluated: 2025-09-26. Review status: criteria provided, single submitter. Criteria: DASA Assertion Criteria. Collection method: clinical testing. Allele origin: germline.
Comment: NM_000466.3(PEX1):c.2614C>T (p.Arg872*) introduces a premature termination codon predicted to result in loss of normal protein function. Loss-of-function is an established mechanism of disease for this gene. This variant has been observed in affected individuals with related phenotype in a genotype context consistent with recessive disease (PMID: 21846392). This variant has been reported in individuals with related phenotype (PMID: 21846392). The variant is present at low frequency in population datasets. Based on the available data, this variant is classified as pathogenic.

Blueprint Genetics
Classification: Pathogenic for PEX1-related disorders. Last evaluated: 2024-03-14. Review status: criteria provided, single submitter. Criteria: ACMG Guidelines, 2015. Collection method: clinical testing. Allele origin: germline. Affected: yes. Observed: 2 variant alleles.

Genomic Medicine Center of Excellence, King Faisal Specialist Hospital and Research Centre
Classification: Pathogenic for Peroxisome biogenesis disorder 1A (Zellweger). Last evaluated: 2024-03-14. Review status: criteria provided, single submitter. Criteria: ACMG Guidelines, 2015. Collection method: research. Allele origin: germline.

GeneDx
Classification: Pathogenic. Last evaluated: 2024-03-06. Review status: criteria provided, single submitter. Criteria: GeneDx Variant Classification Process June 2021. Collection method: clinical testing. Allele origin: germline. Affected: yes.
Comment: Has been reported previously in individuals with PEX1-related disorders (PMID: 12032265, 16141001, 19105186, 21846392); Nonsense variant predicted to result in protein truncation or nonsense mediated decay in a gene for which loss-of-function is a known mechanism of disease; Not observed at significant frequency in large population cohorts (gnomAD); This variant is associated with the following publications: (PMID: 25525159, 19105186, 21846392, 16141001, 12032265, 31964843)

Baylor Genetics
Classification: Pathogenic for Heimler syndrome 1. Last evaluated: 2023-09-21. Review status: criteria provided, single submitter. Criteria: ACMG Guidelines, 2015. Collection method: clinical testing. Allele origin: unknown.

Victorian Clinical Genetics Services, Murdoch Childrens Research Institute
Classification: Pathogenic for Peroxisome biogenesis disorder 1A (Zellweger). Last evaluated: 2023-07-17. Review status: criteria provided, single submitter. Criteria: ACMG Guidelines, 2015. Collection method: clinical testing. Allele origin: germline. Inheritance: Autosomal recessive inheritance. Affected: yes.
Comment: Based on the classification scheme VCGS_Germline_v1.3.4, this variant is classified as Pathogenic. Following criteria are met: 0102 - Loss of function is a known mechanism of disease in this gene and is associated with Heimler syndrome 1 (MIM#234580), peroxisome biogenesis disorder 1A (Zellweger; MIM#214100) and peroxisome biogenesis disorder 1B (NALD/IRD; MIM#601539). (I) 0106 - This gene is associated with autosomal recessive disease. (I) 0201 - Variant is predicted to cause nonsense-mediated decay (NMD) and loss of protein (premature termination codon is located at least 54 nucleotides upstream of the final exon-exon junction). (SP) 0252 - This variant is homozygous. (I) 0304 - Variant is present in gnomAD <0.01 for a recessive condition (v2: 3 heterozygotes, 0 homozygotes). (SP) 0701 - Other NMD-predicted variants comparable to the one identified in this case have very strong previous evidence for pathogenicity (ClinVar). (SP) 0801 - This variant has strong previous evidence of pathogenicity in unrelated individuals. It has been reported in multiple individuals with Zellweger spectrum disorder and consistently classified as pathogenic by diagnostic laboratories in ClinVar (PMID: 19105186). (SP) 1208 - Inheritance information for this variant is not currently available in this individual. (I) Legend: (SP) - Supporting pathogenic, (I) - Information, (SB) - Supporting benign

Laboratorio de Genetica e Diagnostico Molecular, Hospital Israelita Albert Einstein
Classification: Pathogenic. Last evaluated: 2022-01-18. Review status: criteria provided, single submitter. Criteria: ACMG Guidelines, 2015. Collection method: clinical testing. Allele origin: germline. Affected: yes.
Comment: ACMG classification criteria: PVS1, PS4, PM2

Revvity Omics, Revvity
Classification: Pathogenic. Last evaluated: 2021-12-23. Review status: criteria provided, single submitter. Criteria: ACMG Guidelines, 2015. Collection method: clinical testing. Allele origin: germline.

Kariminejad - Najmabadi Pathology & Genetics Center
Classification: Pathogenic for Abnormality of metabolism/homeostasis. Last evaluated: 2021-07-10. Review status: criteria provided, single submitter. Criteria: ACMG Guidelines, 2015. Collection method: clinical testing. Allele origin: germline.

Women's Health and Genetics/Laboratory Corporation of America, LabCorp
Classification: Pathogenic for Peroxisome biogenesis disorders, Zellweger syndrome spectrum. Last evaluated: 2020-09-21. Review status: criteria provided, single submitter. Criteria: LabCorp Variant Classification Summary - May 2015. Collection method: clinical testing. Allele origin: germline.
Comment: Variant summary: PEX1 c.2614C>T (p.Arg872X) results in a premature termination codon, predicted to cause a truncation of the encoded protein or absence of the protein due to nonsense mediated decay, which are commonly known mechanisms for disease. Truncations downstream of this position have been classified as pathogenic by our laboratory. The variant allele was found at a frequency of 1.2e-05 in 251050 control chromosomes. c.2614C>T has been reported in the literature in multiple individuals affected with Zellweger Syndrome with elevated VCLFA (very long chain fatty acid) levels (example, Preuss_2002, Yik_2009, Thoms_2011, Alshenaifi_2019). These data indicate that the variant is very likely to be associated with disease. Two clinical diagnostic laboratories have submitted clinical-significance assessments for this variant to ClinVar after 2014 without evidence for independent evaluation. All laboratories classified the variant as pathogenic. Based on the evidence outlined above, the variant was classified as pathogenic.

Baylor Genetics
Classification: Pathogenic for Peroxisome biogenesis disorder 1A (Zellweger); Peroxisome biogenesis disorder 1B. Review status: criteria provided, single submitter. Criteria: ACMG Guidelines, 2015. Collection method: clinical testing. Allele origin: germline.

UNC Molecular Genetics  Laboratory, University of North Carolina at Chapel Hill
Classification: Pathogenic for Peroxisome biogenesis disorder 1A (Zellweger). Review status: criteria provided, single submitter. Criteria: ACMG Guidelines, 2015. Collection method: research. Allele origin: germline. Affected: no. Observed: 1 variant allele. Study: NSIGHT-NC NEXUS.
Comment: The PEX1 c.2614C>T (p.R872*) nonsense variant is predicted to result in an aberrant or absent protein. This variant has been reported in the homozygous and compound heterozygous state in individuals with Zellweger spectrum disorder (PMID: 21031596; 12032265; 19105186; 20301621).

carrier finding

Literature cited by the submitters: PubMed 12032265 (cited by 4 submitters); PubMed 19105186 (cited by 5 submitters); PubMed 21031596 (cited by Labcorp Genetics (formerly Invitae), Labcorp and UNC Molecular Genetics  Laboratory, University of North Carolina at Chapel Hill); PubMed 26387595 (cited by Labcorp Genetics (formerly Invitae), Labcorp); PubMed 31831025 (cited by Labcorp Genetics (formerly Invitae), Labcorp); PubMed 21846392 (cited by 3 submitters); PubMed 30561787 (cited by Natera, Inc. and Women's Health and Genetics/Laboratory Corporation of America, LabCorp); PubMed 20301621 (cited by UNC Molecular Genetics  Laboratory, University of North Carolina at Chapel Hill).